The following is an entry in ClinVar:

ClinVar aggregate classification (germline): Conflicting classifications of pathogenicity. Review status: criteria provided, conflicting classifications (1 of 4 stars). 4 submissions from 4 submitters: Uncertain significance (1); Likely benign (3). Last evaluated 2025-09-15.

Conditions:
TCF4-related disorder. Also called: TCF4-related condition.
Pitt-Hopkins syndrome (PTHS). Also called: MENTAL RETARDATION, SYNDROMAL, WITH INTERMITTENT HYPERVENTILATION; ENCEPHALOPATHY, SEVERE EPILEPTIC, WITH AUTONOMIC DYSFUNCTION. Identifiers: Orphanet 2896, MedGen C1970431, MONDO:0012589, OMIM 610954.

Allele frequency attached by ClinVar (database versions not stated): gnomAD exomes 0.00001 and 0.00002; TOPMed 0.00003; ExAC 0.00005; gnomAD 0.00005; 1000 Genomes Project 30x 0.00016; 1000 Genomes Project 0.00020.
gnomAD v4.1: 17 of 1,605,242 alleles (0.0011%); highest among the groups gnomAD compares: African/African-American, 0.02%; no homozygotes.

Submissions (4):

Labcorp Genetics (formerly Invitae), Labcorp
Classification: Likely benign for Pitt-Hopkins syndrome. Last evaluated: 2025-09-15. Review status: criteria provided, single submitter. Criteria: Invitae Variant Classification Sherloc (09022015). Collection method: clinical testing. Allele origin: germline.

CeGaT Center for Human Genetics Tuebingen
Classification: Likely benign. Last evaluated: 2025-04-01. Review status: criteria provided, single submitter. Criteria: CeGaT Center For Human Genetics Tuebingen Variant Classification Criteria Version 2. Collection method: clinical testing. Allele origin: germline. Affected: yes. Observed: 1 variant allele.
Comment: TCF4: BP4

PreventionGenetics, part of Exact Sciences
Classification: Likely benign for TCF4-related condition. Last evaluated: 2024-10-31. Review status: criteria provided, single submitter. Criteria: ACMG Guidelines, 2015. Collection method: clinical testing. Allele origin: germline.
Comment: This variant is classified as likely benign based on ACMG/AMP sequence variant interpretation guidelines (Richards et al. 2015 PMID: 25741868, with internal and published modifications).

GeneDx
Classification: Uncertain significance. Last evaluated: 2017-10-31. Review status: criteria provided, single submitter. Criteria: GeneDx Variant Classification (06012015). Collection method: clinical testing. Allele origin: germline. Affected: yes.
Comment: The c.991-6 T>G variant has not been published as a pathogenic variant, nor has it been reported as a benign variant to our knowledge. This variant is observed in 6/23948 (0.03%) alleles from individuals of African background, in large population cohorts (Lek et al., 2016). Several in-silico splice prediction models predict that c.991-6 T>G damages or destroys the splice acceptor site in intron 12, which may lead to abnormal gene splicing. However, in the absence of RNA/functional studies, the actual effect of this sequence change in this individual is unknown. Therefore, based on the currentlyavailable information, it is unclear whether this variant is a pathogenic variant or a rare benign variant.

NM_001083962.2(TCF4):c.991-6T>G

Gene: TCF4 (transcription factor 4; minus strand). Cytogenetic location: 18q21.2.
Variant type: single nucleotide variant.
Coding change: c.991-6T>G on transcript NM_001083962.2 (MANE Select); 6 bases into the intron before coding-DNA position 991, T replaced by G.
Molecular consequence: intron variant.
Genome position (GRCh38, 1-based): chr18:55,260,033, A>C on the plus strand (T>G on the coding strand, the complement: TCF4 is on the minus strand). VCF-style: chr18-55260033-A-C. GRCh37 (hg19) VCF-style: chr18-52927264-A-C.
Other names: c.1297-6T>G (NM_001243226.3); c.916-6T>G (NM_001369584.1, NM_001369576.1, NM_001369585.1 and 3 more transcripts); c.919-6T>G (NM_001369577.1, NM_001369582.1, NM_001243227.2 and 9 more transcripts); c.991-6T>G (NM_001369571.1, NM_001369567.1, NM_001369572.1 and 4 more transcripts); c.1009-6T>G (NM_001243228.2); c.985-6T>G (NM_001243230.2); c.988-6T>G (NM_001369569.1, NM_001369573.1, NM_001369570.1); c.865-6T>G (NM_001243231.2, NM_001348211.2); and 4 more.
Identifiers: ClinVar variation 453087 (VCV000453087.19), dbSNP rs201721676, ClinGen allele CA8970316.